The following is an entry in ClinVar:

NM_025114.4(CEP290):c.6357+20A>T

Genes: CEP290 (centrosomal protein 290; minus strand), LOC129390514 (MPRA-validated peak1864 silencer; plus strand). Cytogenetic location: 12q21.32.
Variant type: single nucleotide variant.
Coding change: c.6357+20A>T on transcript NM_025114.4 (MANE Select); 20 bases into the intron after coding-DNA position 6357, A replaced by T.
Molecular consequence: intron variant.
Genome position (GRCh38, 1-based): chr12:88,062,672, T>A on the plus strand (A>T on the coding strand, the complement: CEP290 is on the minus strand). VCF-style: chr12-88062672-T-A. GRCh37 (hg19) VCF-style: chr12-88456449-T-A.
Identifiers: ClinVar variation 126266 (VCV000126266.18), dbSNP rs7971699, ClinGen allele CA150922.

ClinVar aggregate classification (germline): Benign. Review status: criteria provided, multiple submitters, no conflicts (2 of 4 stars). 6 submissions from 6 submitters: Benign (5). 1 of the submissions does not count toward it. Last evaluated 2026-02-04.

Conditions:
Joubert syndrome. Also called: Familial aplasia of the vermis; JOUBERT-BOLTSHAUSER SYNDROME. Identifiers: Orphanet 475, MedGen C5979921, MONDO:0018772.
Meckel-Gruber syndrome. Also called: Dysencephalia splachnocystica; GRUBER SYNDROME; DYSENCEPHALIA SPLANCHNOCYSTICA. Identifiers: Orphanet 564, MedGen C0265215, MONDO:0018921.
Nephronophthisis. Also called: Juvenile Nephronophthisis. Identifiers: Orphanet 655, MedGen C0687120, MONDO:0019005, HP:0000090.

Allele frequency attached by ClinVar (database versions not stated): TOPMed 0.05828; gnomAD exomes 0.00481 and 0.01234; ExAC 0.02737; gnomAD 0.05185 and 0.05562; 1000 Genomes Project 0.05292; ESP Exome Variant Server 0.05382; 1000 Genomes Project 30x 0.05653.
gnomAD v4.1: 14,853 of 1,542,636 alleles (0.96%); highest among the groups gnomAD compares: African/African-American, 18%; 1,256 homozygotes.

Submissions (6):

Labcorp Genetics (formerly Invitae), Labcorp
Classification: Benign for Joubert syndrome; Meckel-Gruber syndrome; Nephronophthisis. Last evaluated: 2026-02-04. Review status: criteria provided, single submitter. Criteria: Invitae Variant Classification Sherloc (09022015). Collection method: clinical testing. Allele origin: germline.

Blueprint Genetics
Classification: Benign. Last evaluated: 2024-11-27. Review status: criteria provided, single submitter. Criteria: ACMG Guidelines, 2015. Collection method: clinical testing. Allele origin: germline.

GeneDx
Classification: Benign. Last evaluated: 2014-01-30. Review status: criteria provided, single submitter. Criteria: GeneDx Variant Classification (06012015). Collection method: clinical testing. Allele origin: germline. Affected: yes.
Comment: This variant is considered likely benign or benign based on one or more of the following criteria: it is a conservative change, it occurs at a poorly conserved position in the protein, it is predicted to be benign by multiple in silico algorithms, and/or has population frequency not consistent with disease.

Breakthrough Genomics
Classification: Benign. Review status: criteria provided, single submitter. Criteria: ACMG Guidelines, 2015. Collection method: not provided. Allele origin: germline. Inheritance: Autosomal recessive inheritance. Affected: yes.

PreventionGenetics, part of Exact Sciences
Classification: Benign. Review status: criteria provided, single submitter. Criteria: ACMG Guidelines, 2015. Collection method: clinical testing. Allele origin: germline.

Genetic Services Laboratory, University of Chicago
Classification: Likely benign for AllHighlyPenetrant. Review status: no assertion criteria provided. Collection method: clinical testing. Allele origin: germline. Inheritance: Autosomal recessive inheritance. Observed: 3 variant alleles. Not counted in ClinVar's aggregate classification.
Comment: Likely benign based on allele frequency in 1000 Genomes Project or ESP global frequency and its presence in a patient with a rare or unrelated disease phenotype. NOT Sanger confirmed.